The following is an entry in ClinVar:

ClinVar aggregate classification (germline): Likely benign (1 of 4 stars; one submission).

gnomAD v4.1: 158 of 1,613,672 alleles (0.0098%); highest among the groups gnomAD compares: Middle Eastern, 0.016%; no homozygotes.

Submission:

CeGaT Center for Human Genetics Tuebingen
Classification: Likely benign. Last evaluated: 2026-04-01. Review status: criteria provided, single submitter. Criteria: CeGaT Center For Human Genetics Tuebingen Variant Classification Criteria Version 2. Collection method: clinical testing. Allele origin: germline. Affected: yes. Observed: 1 variant allele.
Comment: CEACAM16: BP4, BP7

NM_001039213.4(CEACAM16):c.135G>A (p.Ser45=)

Genes: CEACAM16 (CEA cell adhesion molecule 16, tectorial membrane component; plus strand), CEACAM16-AS1 (CEACAM16, CEACAM19 and PVR antisense RNA 1; minus strand). Cytogenetic location: 19q13.32.
Variant type: single nucleotide variant.
Coding change: c.135G>A on transcript NM_001039213.4 (MANE Select); coding-DNA position 135, G replaced by A.
Protein change: p.Ser45=; no amino-acid change (serine 45 retained).
Molecular consequence: synonymous variant.
Genome position (GRCh38, 1-based): chr19:44,703,446, G>A. VCF-style: chr19-44703446-G-A. GRCh37 (hg19) VCF-style: chr19-45206716-G-A.
Identifiers: ClinVar variation 4873301 (VCV004873301.2).
Genomic context (GRCh38, chr19:44,703,446, plus strand): 5'-CCTGGAGCCTGCCCAGCCGAGCGAAGGGGACAACGTCACGCTGGTCGTCCATGGGCTTTC[G>A]GGGGAACTGCTCGCCTACAGCTGGTATGCGGGGCCCACACTCAGCGTGTCATACCTGGTG-3'
Protein context (NP_001034302.2, residues 35-55): DNVTLVVHGL[Ser45=]GELLAYSWYA